The following is an entry in ClinVar:

NM_182746.3(MCM4):c.2192C>T (p.Pro731Leu)

Gene: MCM4 (minichromosome maintenance complex component 4; plus strand). Cytogenetic location: 8q11.21.
Variant type: single nucleotide variant.
Coding change: c.2192C>T on transcript NM_182746.3 (MANE Select); coding-DNA position 2192, C replaced by T.
Protein change: p.Pro731Leu; replaces proline 731 with leucine.
Molecular consequence: missense variant.
Genome position (GRCh38, 1-based): chr8:47,974,789, C>T. VCF-style: chr8-47974789-C-T. GRCh37 (hg19) VCF-style: chr8-48887349-C-T.
Other names: c.2192C>T, p.Pro731Leu (NM_005914.4); short protein forms P731L.
Identifiers: ClinVar variation 2175576 (VCV002175576.3), dbSNP rs776968189, ClinGen allele CA4742849.

ClinVar aggregate classification (germline): Uncertain significance (1 of 4 stars; one submission).

Allele frequency attached by ClinVar (database versions not stated): TOPMed 0.00002; ExAC 0.00004; gnomAD exomes 0.00005.

Submission:

Labcorp Genetics (formerly Invitae), Labcorp
Classification: Uncertain significance. Last evaluated: 2022-10-24. Review status: criteria provided, single submitter. Criteria: Invitae Variant Classification Sherloc (09022015). Collection method: clinical testing. Allele origin: germline.
Comment: In summary, the available evidence is currently insufficient to determine the role of this variant in disease. Therefore, it has been classified as a Variant of Uncertain Significance. Advanced modeling of protein sequence and biophysical properties (such as structural, functional, and spatial information, amino acid conservation, physicochemical variation, residue mobility, and thermodynamic stability) performed at Invitae indicates that this missense variant is expected to disrupt MCM4 protein function. This variant has not been reported in the literature in individuals affected with MCM4-related conditions. This variant is present in population databases (rs776968189, gnomAD 0.006%). This sequence change replaces proline, which is neutral and non-polar, with leucine, which is neutral and non-polar, at codon 731 of the MCM4 protein (p.Pro731Leu).